The following is an entry in ClinVar:

ClinVar aggregate classification (germline): Uncertain significance (1 of 4 stars; one submission).

Submission:

Labcorp Genetics (formerly Invitae), Labcorp
Classification: Uncertain significance. Last evaluated: 2023-11-17. Review status: criteria provided, single submitter. Criteria: Invitae Variant Classification Sherloc (09022015). Collection method: clinical testing. Allele origin: germline.
Comment: This sequence change replaces serine, which is neutral and polar, with leucine, which is neutral and non-polar, at codon 46 of the POLG2 protein (p.Ser46Leu). This variant is not present in population databases (gnomAD no frequency). This variant has not been reported in the literature in individuals affected with POLG2-related conditions. An algorithm developed to predict the effect of missense changes on protein structure and function (PolyPhen-2) suggests that this variant is likely to be tolerated. In summary, the available evidence is currently insufficient to determine the role of this variant in disease. Therefore, it has been classified as a Variant of Uncertain Significance.

NM_007215.4(POLG2):c.137C>T (p.Ser46Leu)

Genes: MILR1 (mast cell immunoglobulin like receptor 1; plus strand), POLG2 (DNA polymerase gamma 2, accessory subunit; minus strand). Cytogenetic location: 17q23.3.
Variant type: single nucleotide variant.
Coding change: c.137C>T on transcript NM_007215.4 (MANE Select); coding-DNA position 137, C replaced by T.
Protein change: p.Ser46Leu; replaces serine 46 with leucine.
Molecular consequence: missense variant.
Genome position (GRCh38, 1-based): chr17:64,496,832, G>A on the plus strand (C>T on the coding strand, the complement: POLG2 is on the minus strand). VCF-style: chr17-64496832-G-A. GRCh37 (hg19) VCF-style: chr17-62492950-G-A.
Other names: short protein forms S46L.
Identifiers: ClinVar variation 2828455 (VCV002828455.3), dbSNP rs2509561426, ClinGen allele CA400641570.